The following is an entry in ClinVar:

ClinVar aggregate classification (germline): Uncertain significance (1 of 4 stars; one submission).

Submission:

GeneDx
Classification: Uncertain significance. Last evaluated: 2026-04-06. Review status: criteria provided, single submitter. Criteria: GeneDx Variant Classification Process June 2021. Collection method: clinical testing. Allele origin: germline.
Comment: Not observed at significant frequency in large population cohorts (gnomAD); In silico analysis supports that this missense variant has a deleterious effect on protein structure/function; Has not been previously published as pathogenic or benign to our knowledge

NM_001273.5(CHD4):c.5471A>G (p.Glu1824Gly)

Genes: CHD4-AS1 (CHD4 antisense RNA 1; plus strand), CHD4 (chromodomain helicase DNA binding protein 4; minus strand). Cytogenetic location: 12p13.31.
Variant type: single nucleotide variant.
Coding change: c.5471A>G on transcript NM_001273.5 (MANE Select); coding-DNA position 5471, A replaced by G.
Protein change: p.Glu1824Gly; replaces glutamic acid 1824 with glycine.
Molecular consequence: missense variant.
Genome position (GRCh38, 1-based): chr12:6,573,160, T>C on the plus strand (A>G on the coding strand, the complement: CHD4 is on the minus strand). VCF-style: chr12-6573160-T-C. GRCh37 (hg19) VCF-style: chr12-6682326-T-C.
Other names: c.5450A>G, p.Glu1817Gly (NM_001297553.2); c.5438A>G, p.Glu1813Gly (NM_001363606.2); short protein forms E1813G, E1817G, E1824G.
Identifiers: ClinVar variation 5016871 (VCV005016871.1).
Genomic context (GRCh38, chr12:6,573,160, plus strand): 5'-TTGTTTCCTGCCATTGACTCCTTGGACAGGTGCTGATGACTTTCCGCCAAACACTCCACC[T>C]CAGCAAAGCGGGTGTTGAGGGCCATGGAAGGGTGAGAAGGGTCTTCTGACATGTTCAAGT-3'
Protein context (NP_001264.2, residues 1814-1834): PSMALNTRFA[Glu1824Gly]VECLAESHQH